The following is an entry in ClinVar:

NM_004560.4(ROR2):c.*736A>G

Gene: ROR2 (receptor tyrosine kinase like orphan receptor 2; minus strand). Cytogenetic location: 9q22.31.
Variant type: single nucleotide variant.
Coding change: c.*736A>G on transcript NM_004560.4 (MANE Select); 736 bases downstream of the stop codon, A replaced by G.
Molecular consequence: 3 prime UTR variant.
Genome position (GRCh38, 1-based): chr9:91,722,926, T>C on the plus strand (A>G on the coding strand, the complement: ROR2 is on the minus strand). VCF-style: chr9-91722926-T-C. GRCh37 (hg19) VCF-style: chr9-94485208-T-C.
Identifiers: ClinVar variation 367483 (VCV000367483.6), dbSNP rs73654047, ClinGen allele CA10630533.

ClinVar aggregate classification (germline): Benign/Likely benign. Review status: criteria provided, multiple submitters, no conflicts (2 of 4 stars). 3 submissions from 2 submitters: Benign (2); Likely benign (1). Last evaluated 2021-06-01.

Conditions:
Brachydactyly type B1 (BDB1). Identifiers: Orphanet 572385, Orphanet 93383, MedGen C1862112, MONDO:0007220, OMIM 113000.
Autosomal recessive Robinow syndrome (RRS1). Also called: ROBINOW SYNDROME, AUTOSOMAL RECESSIVE 1; COSTOVERTEBRAL SEGMENTATION DEFECT WITH MESOMELIA; COVESDEM SYNDROME; ROR2-Related Robinow Syndrome. Identifiers: Orphanet 1507, Orphanet 97360, MedGen C5399974, MONDO:0009999, OMIM 268310.

Allele frequency attached by ClinVar (database versions not stated): gnomAD exomes 0.00147; gnomAD 0.00660 and 0.00701; TOPMed 0.00767; 1000 Genomes Project 0.00799; 1000 Genomes Project 30x 0.00828.
gnomAD v4.1: 1,194 of 282,858 alleles (0.42%); highest among the groups gnomAD compares: African/African-American, 2.2%; 15 homozygotes.

Submissions (3):

GeneDx
Classification: Likely benign. Last evaluated: 2021-06-01. Review status: criteria provided, single submitter. Criteria: GeneDx Variant Classification Process June 2021. Collection method: clinical testing. Allele origin: germline. Affected: yes.
Comment: See Variant Classification Assertion Criteria.

Illumina Laboratory Services, Illumina
Classification: Benign for Brachydactyly type B1. Last evaluated: 2018-01-13. Review status: criteria provided, single submitter. Criteria: ICSL Variant Classification Criteria 13 December 2019. Collection method: clinical testing. Allele origin: germline.
Comment: This variant was observed in the ICSL laboratory as part of a predisposition screen in an ostensibly healthy population. It had not been previously curated by ICSL or reported in the Human Gene Mutation Database (HGMD: prior to June 1st, 2018), and was therefore a candidate for classification through an automated scoring system. Utilizing variant allele frequency, disease prevalence and penetrance estimates, and inheritance mode, an automated score was calculated to assess if this variant is too frequent to cause the disease. Based on the score and internal cut-off values, a variant classified as benign is not then subjected to further curation. The score for this variant resulted in a classification of benign for this disease.

Illumina Laboratory Services, Illumina
Classification: Benign for Autosomal recessive Robinow syndrome. Last evaluated: 2018-01-13. Review status: criteria provided, single submitter. Criteria: ICSL Variant Classification Criteria 13 December 2019. Collection method: clinical testing. Allele origin: germline.
Comment: the same text as in the submission from Illumina Laboratory Services, Illumina above.